The following is an entry in ClinVar:

NM_007294.4(BRCA1):c.569_570insAACG (p.Val191fs)

Gene: BRCA1 (BRCA1 DNA repair associated; minus strand). Cytogenetic location: 17q21.31.
Variant type: Insertion.
Coding change: c.569_570insAACG on transcript NM_007294.4 (MANE Select); coding-DNA positions 569 to 570, AACG inserted.
Protein change: p.Val191fs; shifts the reading frame from valine 191.
Molecular consequence: frameshift variant. On other transcripts: non-coding transcript variant (1).
Genome position: GRCh38 VCF-style: chr17-43097267-G-GCGTT. GRCh37 (hg19) VCF-style: chr17-41249284-G-GCGTT.
Other names: c.425_426insAACG, p.Val143Thrfs (NM_001407845.1, NM_001407846.1, NM_001407847.1 and 26 more transcripts); c.428_429insAACG, p.Val144Thrfs (NM_001407850.1, NM_001407851.1, NM_001407852.1 and 42 more transcripts); c.356_357insAACG, p.Val120Thrfs (NM_001407853.1, NM_001407894.1, NM_001407895.1 and 12 more transcripts); c.569_570insAACG, p.Val191Thrfs (NM_001407854.1, NM_001407858.1, NM_001407859.1 and 57 more transcripts); c.566_567insAACG, p.Val190Thrfs (NM_001407860.1, NM_001407861.1, NM_001407972.1 and 41 more transcripts); c.359_360insAACG, p.Val121Thrfs (NM_001407879.1, NM_001407881.1, NM_001407882.1 and 27 more transcripts); c.188_189insAACG, p.Val64Thrfs (NM_001407959.1, NM_001407960.1, NM_001407963.1 and 1 more transcripts); c.185_186insAACG, p.Val63Thrfs (NM_001407962.1); and 6 more; short protein forms V144fs, V191fs.
Identifiers: ClinVar variation 55640 (VCV000055640.5), dbSNP rs397509300, ClinGen allele CA003740.

ClinVar aggregate classification (germline): no classifications from unflagged records (0 of 4 stars; one submission).

Conditions:
Breast-ovarian cancer, familial, susceptibility to, 1 (BROVCA1). Also called: BRCA1 Hereditary Breast and Ovarian Cancer; OVARIAN CANCER, SUSCEPTIBILITY TO. Identifiers: Orphanet 145, MedGen C2676676, MONDO:0011450, OMIM 604370. Disease mechanism: loss of function.

Submission:

Consortium of Investigators of Modifiers of BRCA1/2 (CIMBA), c/o University of Cambridge
Classification: Pathogenic for Breast-ovarian cancer, familial, susceptibility to, 1. Last evaluated: 2015-10-02. Review status: flagged submission. Criteria: CIMBA Mutation Classification guidelines May 2016. Collection method: clinical testing. Allele origin: germline.
ClinVar note: Notes: This variant is in a BRCA1 exon known to be spliced out in certain normal transcripts.
ClinVar note: Reason: Older claim that does not account for recent evidence